The following is an entry in ClinVar:

NM_000419.5(ITGA2B):c.1063G>A (p.Glu355Lys)

Gene: ITGA2B (integrin subunit alpha 2b; minus strand). Cytogenetic location: 17q21.31.
Variant type: single nucleotide variant.
Coding change: c.1063G>A on transcript NM_000419.5 (MANE Select); coding-DNA position 1063, G replaced by A.
Protein change: p.Glu355Lys; replaces glutamic acid 355 with lysine.
Molecular consequence: missense variant.
Genome position (GRCh38, 1-based): chr17:44,383,640, C>T on the plus strand (G>A on the coding strand, the complement: ITGA2B is on the minus strand). VCF-style: chr17-44383640-C-T. GRCh37 (hg19) VCF-style: chr17-42461008-C-T.
Other names: E324K; c.1063G>A, p.Glu355Lys (LRG_479t1); short protein forms E355K.
Identifiers: ClinVar variation 2899 (VCV000002899.5), dbSNP rs137852910, ClinGen allele CA115844.

ClinVar aggregate classification (germline): Pathogenic. Review status: reviewed by expert panel (3 of 4 stars). 3 submissions from 3 submitters: Pathogenic (1). 2 of the submissions do not count toward it. Last evaluated 2021-02-10.

Conditions:
Glanzmann thrombasthenia 1 (GT1). Also called: BLEEDING DISORDER, PLATELET-TYPE, 2; GP IIb-IIIa COMPLEX DEFICIENCY; GLYCOPROTEIN COMPLEX IIb-IIIa DEFICIENCY; PLATELET FIBRINOGEN RECEPTOR DEFICIENCY. Identifiers: MedGen CN300358, MONDO:0031332, OMIM 273800.
Glanzmann thrombasthenia. Also called: THROMBASTHENIA OF GLANZMANN AND NAEGELI; Glanzmann's thrombasthenia; PLATELET GLYCOPROTEIN IIb-IIIa DEFICIENCY; Thrombasthenia. Identifiers: Orphanet 849, MedGen C0040015, MONDO:0100326.

Allele frequency attached by ClinVar (database versions not stated): TOPMed below 0.00001; gnomAD 0.00001; gnomAD exomes 0.00001; ExAC 0.00002.
gnomAD v4.1: 19 of 1,602,146 alleles (0.0012%); highest among the groups gnomAD compares: East Asian, 0.0045%; no homozygotes.

Submissions (3):

ClinGen Platelet Disorders Variant Curation Expert Panel, ClinGen
Classification: Pathogenic for Glanzmann thrombasthenia. Last evaluated: 2021-02-10. Review status: reviewed by expert panel. Criteria: ClinGen Platelet ACMG Specifications v2. Collection method: curation. Allele origin: germline. Inheritance: Autosomal recessive inheritance.
Comment: The NM_000419.5(ITGA2B):c.1063G>A (p.Glu355Lys) missense variant has been reported in several patients (PMIDs: 11122161, 9722314, 9215749, 22250950, 9734640) with a phenotype highly specific to GT. It is occurs at a very low allele frequency of 0.00001978 (2/101,102 alleles) in the non-Finnish European gnomAD population. The variant is predicted to have a deleterious effect (REVEL score 0.793). The functional impact has been assessed by transfection in CHO cells, showing lack of Î±IIbÎ²3 surface expression with the Glu355Lys mutant (PMIDs: 11122161, 12362239). In summary this variant meets criteria to be classified as Pathogenic for GT. GT-specific criteria applied: PS3, PM2_Supporting, PM3, PP3, and PP4_Moderate.

ISTH-SSC Genomics in Thrombosis and Hemostasis, KU Leuven, Center for Molecular and Vascular Biology
Classification: Pathogenic for Glanzmann thrombasthenia 1. Review status: criteria provided, single submitter. Criteria: ACMG Guidelines, 2015. Collection method: clinical testing. Allele origin: germline. Affected: yes. Observed: 1 heterozygote, 1 homozygote. Not counted in ClinVar's aggregate classification.
Comment: Submitted to GoldVariant by Jose María Bastida and José Rivera; Grupo Español de Alteraciones Plaquetarias Congénitas (GEAPC)

OMIM
Classification: Pathogenic for GLANZMANN THROMBASTHENIA 1. Last evaluated: 1998-09-01. Review status: no assertion criteria provided. Collection method: literature only. Allele origin: germline. Not counted in ClinVar's aggregate classification.

Literature cited by the submitters: PubMed 9734640 (cited by OMIM).